The following is an entry in ClinVar:

ClinVar aggregate classification (germline): Pathogenic (1 of 4 stars; one submission).

Conditions:
Epidermolysis bullosa simplex with nail dystrophy (EBS5D). Identifiers: MedGen C4225309, MONDO:0014661, OMIM 616487.
Autosomal recessive limb-girdle muscular dystrophy type 2Q (LGMDR17). Also called: MUSCULAR DYSTROPHY, LIMB-GIRDLE, AUTOSOMAL RECESSIVE 17. Identifiers: Orphanet 254361, MedGen C3150989, MONDO:0013390, OMIM 613723.
Epidermolysis bullosa simplex 5C, with pyloric atresia (EBS5C). Also called: Epidermolysis bullosa simplex with pyloric atresia; PLEC-Related Epidermolysis Bullosa with Pyloric Atresia; PLEC1-Related Epidermolysis Bullosa with Pyloric Atresia. Identifiers: Orphanet 158684, MedGen C2677349, MONDO:0012807, OMIM 612138.
Epidermolysis bullosa simplex 5B, with muscular dystrophy (EBS5B). Also called: Epidermolysis bullosa simplex with muscular dystrophy; EPIDERMOLYSIS BULLOSA SIMPLEX AND LIMB-GIRDLE MUSCULAR DYSTROPHY. Identifiers: Orphanet 257, MedGen C2931072, MONDO:0009181, OMIM 226670.
Epidermolysis bullosa simplex, Ogna type (EBS5A). Also called: Pidermolysis bullosa simplex 5A, Ogna type; EPIDERMOLYSIS BULLOSA SIMPLEX 5A, OGNA TYPE. Identifiers: Orphanet 79401, MedGen C0432317, MONDO:0007555, OMIM 131950.

Submission:

Labcorp Genetics (formerly Invitae), Labcorp
Classification: Pathogenic for Autosomal recessive limb-girdle muscular dystrophy type 2Q; Epidermolysis bullosa simplex, Ogna type; Epidermolysis bullosa simplex with nail dystrophy; Epidermolysis bullosa simplex 5C, with pyloric atresia; Epidermolysis bullosa simplex 5B, with muscular dystrophy. Last evaluated: 2022-06-27. Review status: criteria provided, single submitter. Criteria: Invitae Variant Classification Sherloc (09022015). Collection method: clinical testing. Allele origin: germline.
Comment: For these reasons, this variant has been classified as Pathogenic. This variant has not been reported in the literature in individuals affected with PLEC-related conditions. This variant is not present in population databases (gnomAD no frequency). ClinVar contains an entry for this variant (Variation ID: 1071954). This sequence change creates a premature translational stop signal (p.Glu2473*) in the PLEC gene. It is expected to result in an absent or disrupted protein product. Loss-of-function variants in PLEC are known to be pathogenic (PMID: 20301336, 20447487, 21109228, 23289980, 28824526).

Literature cited by the submitters: PubMed 20301336; PubMed 20447487; PubMed 21109228; PubMed 23289980; PubMed 28824526.

NM_201384.3(PLEC):c.7336G>T (p.Glu2446Ter)

Gene: PLEC (plectin; minus strand). Cytogenetic location: 8q24.3.
Variant type: single nucleotide variant.
Coding change: c.7336G>T on transcript NM_201384.3 (MANE Select); coding-DNA position 7336, G replaced by T.
Protein change: p.Glu2446Ter; replaces glutamic acid 2446 with a stop codon.
Molecular consequence: nonsense.
Genome position (GRCh38, 1-based): chr8:143,922,593, C>A on the plus strand (G>T on the coding strand, the complement: PLEC is on the minus strand). VCF-style: chr8-143922593-C-A. GRCh37 (hg19) VCF-style: chr8-144996761-C-A.
Other names: c.7417G>T, p.Glu2473Ter (NM_000445.5); c.7294G>T, p.Glu2432Ter (NM_201378.4); c.7270G>T, p.Glu2424Ter (NM_201379.3); c.7747G>T, p.Glu2583Ter (NM_201380.4); c.7240G>T, p.Glu2414Ter (NM_201381.3); c.7336G>T, p.Glu2446Ter (NM_201382.4); c.7348G>T, p.Glu2450Ter (NM_201383.3); short protein forms E2414*, E2424*, E2432*, E2446*, E2450*, E2473*, E2583*.
Identifiers: ClinVar variation 1071954 (VCV001071954.5), dbSNP rs376827900, ClinGen allele CA372526078.